The following is an entry in ClinVar:

NM_003919.3(SGCE):c.783dup (p.Phe262fs)

Genes: CASD1 (CAS1 domain sialic acid O acetyltransferase 1; plus strand), SGCE (sarcoglycan epsilon; minus strand). Cytogenetic location: 7q21.3.
Variant type: Duplication.
Coding change: c.783dup on transcript NM_003919.3 (MANE Select); coding-DNA position 783, one base duplicated (A; older notation c.783dupA).
Protein change: p.Phe262fs; shifts the reading frame from phenylalanine 262.
Molecular consequence: frameshift variant.
Genome position (GRCh38, 1-based): chr7:94,603,332, T duplicated on the plus strand (A on the coding strand, the reverse complement: SGCE is on the minus strand); the first of 6 consecutive T bases (chr7:94,603,332-94,603,337); duplicating any one gives the same sequence. VCF-style (leftmost placement, unchanged base first): chr7-94603331-A-AT. GRCh37 (hg19) VCF-style: chr7-94232643-A-AT.
Other names: c.783dup (NM_003919.2); c.783dupA (NM_003919.3); c.783dup, p.Phe262fs (NM_001099400.2, NM_001099401.2, NM_001346717.2); c.660dup, p.Phe221fs (NM_001301139.2, NM_001362809.2); c.891dup, p.Phe298fs (NM_001346713.2, NM_001346715.2); c.696dup, p.Phe233fs (NM_001346719.2, NM_001362807.2); c.510dup, p.Phe171fs (NM_001346720.2, NM_001362808.2); short protein forms F171fs, F262fs, F298fs, F233fs, F221fs.
Identifiers: ClinVar variation 397531 (VCV000397531.10), dbSNP rs1189469219, ClinGen allele CA16609400.

ClinVar aggregate classification (germline): Pathogenic/Likely pathogenic. Review status: criteria provided, multiple submitters, no conflicts (2 of 4 stars). 5 submissions from 5 submitters: Pathogenic (4); Likely pathogenic (1). Last evaluated 2024-06-14.

Conditions:
Myoclonic dystonia 11 (DYT11). Also called: Myoclonic dystonia; Dystonia 11; Dystonia, alcohol responsive; Hereditary essential myoclonus; SGCE Myoclonus-Dystonia; DYT-SGCE. Identifiers: Orphanet 36899, MedGen C1834570, MONDO:0008044, OMIM 159900.

Submissions (5):

Women's Health and Genetics/Laboratory Corporation of America, LabCorp
Classification: Pathogenic for Myoclonic dystonia 11. Last evaluated: 2024-06-14. Review status: criteria provided, single submitter. Criteria: LabCorp Variant Classification Summary - May 2015. Collection method: clinical testing. Allele origin: germline.
Comment: Variant summary: SGCE c.783dupA (p.Phe262IlefsX8) results in a premature termination codon, predicted to cause a truncation of the encoded protein or absence of the protein due to nonsense mediated decay, which are commonly known mechanisms for disease. The variant was absent in 249238 control chromosomes. c.783dupA has been reported in the literature in at-least one individual affected with Myoclonic Dystonia 11 (example: Carecchio_2013). The following publication has been ascertained in the context of this evaluation (PMID: 23677909). ClinVar contains an entry for this variant (Variation ID: 397531). Based on the evidence outlined above, the variant was classified as pathogenic.

GeneDx
Classification: Likely pathogenic. Last evaluated: 2024-03-08. Review status: criteria provided, single submitter. Criteria: GeneDx Variant Classification Process June 2021. Collection method: clinical testing. Allele origin: germline. Affected: yes.
Comment: Identified in a patient with myoclonus-dystonia in published literature (PMID: 23677909); Frameshift variant predicted to result in protein truncation or nonsense mediated decay in a gene for which loss of function is a known mechanism of disease; Not observed at significant frequency in large population cohorts (gnomAD); This variant is associated with the following publications: (PMID: 23677909)

Institute of Human Genetics Munich, TUM University Hospital
Classification: Pathogenic for Myoclonic dystonia 11. Last evaluated: 2023-01-30. Review status: criteria provided, single submitter. Criteria: Classification criteria August 2017. Collection method: clinical testing. Allele origin: paternal. Inheritance: Autosomal dominant inheritance. Affected: yes. Observed: 1 variant allele.

Labcorp Genetics (formerly Invitae), Labcorp
Classification: Pathogenic for Myoclonic dystonia 11. Last evaluated: 2021-09-06. Review status: criteria provided, single submitter. Criteria: Invitae Variant Classification Sherloc (09022015). Collection method: clinical testing. Allele origin: germline.
Comment: This sequence change creates a premature translational stop signal (p.Phe262Ilefs*8) in the SGCE gene. It is expected to result in an absent or disrupted protein product. Loss-of-function variants in SGCE are known to be pathogenic (PMID: 12821748, 15389977, 17853490, 24297365). This variant is not present in population databases (ExAC no frequency). This premature translational stop signal has been observed in individual(s) with myoclonus-dystonia (PMID: 23677909). ClinVar contains an entry for this variant (Variation ID: 397531). For these reasons, this variant has been classified as Pathogenic.

Center of Genomic medicine, Geneva, University Hospital of Geneva
Classification: Pathogenic for Myoclonic dystonia 11. Last evaluated: 2014-08-26. Review status: criteria provided, single submitter. Criteria: MacArthur et al. (Nature 2014). Collection method: clinical testing. Allele origin: paternal. Affected: yes. Observed: 2 variant alleles.

Literature cited by the submitters: PubMed 23677909 (cited by Women's Health and Genetics/Laboratory Corporation of America, LabCorp and Labcorp Genetics (formerly Invitae), Labcorp); PubMed 12821748 (cited by Labcorp Genetics (formerly Invitae), Labcorp); PubMed 15389977 (cited by Labcorp Genetics (formerly Invitae), Labcorp); PubMed 17853490 (cited by Labcorp Genetics (formerly Invitae), Labcorp); PubMed 24297365 (cited by Labcorp Genetics (formerly Invitae), Labcorp).